The following is an entry in ClinVar:

NM_002485.5(NBN):c.919G>C (p.Glu307Gln)

Gene: NBN (nibrin; minus strand). Cytogenetic location: 8q21.3.
Variant type: single nucleotide variant.
Coding change: c.919G>C on transcript NM_002485.5 (MANE Select); coding-DNA position 919, G replaced by C.
Protein change: p.Glu307Gln; replaces glutamic acid 307 with glutamine.
Molecular consequence: missense variant.
Genome position (GRCh38, 1-based): chr8:89,964,485, C>G on the plus strand (G>C on the coding strand, the complement: NBN is on the minus strand). VCF-style: chr8-89964485-C-G. GRCh37 (hg19) VCF-style: chr8-90976713-C-G.
Other names: c.673G>C, p.Glu225Gln (NM_001024688.3); short protein forms E307Q, E225Q.
Identifiers: ClinVar variation 461588 (VCV000461588.11), dbSNP rs1554562182, ClinGen allele CA371657091.

ClinVar aggregate classification (germline): Uncertain significance. Review status: criteria provided, multiple submitters, no conflicts (2 of 4 stars). 2 submissions from 2 submitters: Uncertain significance (2). Last evaluated 2023-12-28.

Conditions:
Hereditary cancer-predisposing syndrome. Also called: Hereditary neoplastic syndrome; Neoplastic Syndromes, Hereditary; Tumor predisposition; Hereditary Cancer Syndrome. Identifiers: Orphanet 140162, MedGen C0027672, MeSH D009386, MONDO:0015356.
Microcephaly, normal intelligence and immunodeficiency (NBS). Also called: IMMUNODEFICIENCY, MICROCEPHALY, AND CHROMOSOMAL INSTABILITY; SEEMANOVA SYNDROME II; Nijmegen breakage syndrome; Microcephaly with normal intelligence immunodeficiency and lymphoreticular malignancies; Nonsyndromal microcephaly autosomal recessive with normal intelligence; Seemanova syndrome 2. Identifiers: Orphanet 647, MedGen C0398791, MONDO:0009623, OMIM 251260.

Allele frequency attached by ClinVar (database versions not stated): gnomAD exomes below 0.00001.
gnomAD v4.1: 2 of 1,606,236 alleles (0.00012%); highest among the groups gnomAD compares: Non-Finnish European, 0.00017%; no homozygotes.

Submissions (2):

Ambry Genetics
Classification: Uncertain significance for Hereditary cancer-predisposing syndrome. Last evaluated: 2023-12-28. Review status: criteria provided, single submitter. Criteria: Ambry Variant Classification Scheme 2023. Collection method: clinical testing. Allele origin: germline.
Comment: The p.E307Q variant (also known as c.919G>C), located in coding exon 8 of the NBN gene, results from a G to C substitution at nucleotide position 919. The glutamic acid at codon 307 is replaced by glutamine, an amino acid with highly similar properties. This amino acid position is highly conserved in available vertebrate species. In addition, the in silico prediction for this alteration is inconclusive. Since supporting evidence is limited at this time, the clinical significance of this alteration remains unclear.

Labcorp Genetics (formerly Invitae), Labcorp
Classification: Uncertain significance for Microcephaly, normal intelligence and immunodeficiency. Last evaluated: 2022-11-19. Review status: criteria provided, single submitter. Criteria: Invitae Variant Classification Sherloc (09022015). Collection method: clinical testing. Allele origin: germline.
Comment: This variant has not been reported in the literature in individuals affected with NBN-related conditions. This variant is not present in population databases (gnomAD no frequency). This sequence change replaces glutamic acid, which is acidic and polar, with glutamine, which is neutral and polar, at codon 307 of the NBN protein (p.Glu307Gln). In summary, the available evidence is currently insufficient to determine the role of this variant in disease. Therefore, it has been classified as a Variant of Uncertain Significance. Algorithms developed to predict the effect of missense changes on protein structure and function are either unavailable or do not agree on the potential impact of this missense change (SIFT: "Deleterious"; PolyPhen-2: "Probably Damaging"; Align-GVGD: "Class C0"). ClinVar contains an entry for this variant (Variation ID: 461588).